The following is an entry in ClinVar:

NM_013265.4(VPS51):c.1545G>A (p.Lys515=)

Gene: VPS51 (VPS51 subunit of GARP complex; plus strand). Cytogenetic location: 11q13.1.
Variant type: single nucleotide variant.
Coding change: c.1545G>A on transcript NM_013265.4 (MANE Select); coding-DNA position 1545, G replaced by A.
Protein change: p.Lys515=; no amino-acid change (lysine 515 retained).
Molecular consequence: synonymous variant. On other transcripts: non-coding transcript variant (1).
Genome position (GRCh38, 1-based): chr11:65,109,381, G>A. VCF-style: chr11-65109381-G-A. GRCh37 (hg19) VCF-style: chr11-64876853-G-A.
Identifiers: ClinVar variation 4981604 (VCV004981604.1).

ClinVar aggregate classification (germline): Likely benign (1 of 4 stars; one submission).

Conditions:
VPS51-related disorder. Also called: VPS51-related condition.

gnomAD v4.1: 325 of 1,612,368 alleles (0.02%); highest among the groups gnomAD compares: Non-Finnish European, 0.027%; no homozygotes.

Submission:

PreventionGenetics, part of Exact Sciences
Classification: Likely benign for VPS51-related condition. Last evaluated: 2025-12-13. Review status: criteria provided, single submitter. Criteria: ACMG Guidelines, 2015. Collection method: clinical testing. Allele origin: germline.
Comment: This variant is classified as likely benign based on ACMG/AMP sequence variant interpretation guidelines (Richards et al. 2015 PMID: 25741868, with internal and published modifications).